The following is an entry in ClinVar:

NM_002439.5(MSH3):c.3136G>A (p.Ala1046Thr)

Gene: MSH3 (mutS homolog 3; plus strand). Cytogenetic location: 5q14.1.
Variant type: single nucleotide variant.
Coding change: c.3136G>A on transcript NM_002439.5 (MANE Select); coding-DNA position 3136, G replaced by A.
Protein change: p.Ala1046Thr; replaces alanine 1046 with threonine.
Molecular consequence: missense variant.
Genome position (GRCh38, 1-based): chr5:80,873,121, G>A. VCF-style: chr5-80873121-G-A. GRCh37 (hg19) VCF-style: chr5-80168940-G-A.
Other names: short protein forms A1046T.
Identifiers: ClinVar variation 822974 (VCV000822974.20), dbSNP rs144603433, ClinGen allele CA3328469.

ClinVar aggregate classification (germline): Conflicting classifications of pathogenicity. Review status: criteria provided, conflicting classifications (1 of 4 stars). 7 submissions from 7 submitters: Uncertain significance (6); Likely benign (1). Last evaluated 2025-10-27.

Conditions:
MSH3-related disorder. Also called: MSH3-related condition.
Hereditary cancer-predisposing syndrome. Also called: Neoplastic Syndromes, Hereditary; Hereditary Cancer Syndrome; Tumor predisposition; Hereditary neoplastic syndrome. Identifiers: Orphanet 140162, MedGen C0027672, MeSH D009386, MONDO:0015356.
Endometrial carcinoma. Also called: Endometrial carcinoma, somatic. Identifiers: MedGen C0476089, MONDO:0002447, OMIM 608089, HP:0012114.

Allele frequency attached by ClinVar (database versions not stated): gnomAD exomes below 0.00001; ExAC 0.00001; gnomAD 0.00004 and 0.00005; TOPMed 0.00004; ESP Exome Variant Server 0.00008.
gnomAD v4.1: 14 of 1,612,958 alleles (0.00087%); highest among the groups gnomAD compares: African/African-American, 0.015%; no homozygotes.

Submissions (7):

Labcorp Genetics (formerly Invitae), Labcorp
Classification: Uncertain significance. Last evaluated: 2025-10-27. Review status: criteria provided, single submitter. Criteria: Invitae Variant Classification Sherloc (09022015). Collection method: clinical testing. Allele origin: germline.
Comment: This sequence change replaces alanine, which is neutral and non-polar, with threonine, which is neutral and polar, at codon 1046 of the MSH3 protein (p.Ala1046Thr). This variant is present in population databases (rs144603433, gnomAD 0.008%). This variant has not been reported in the literature in individuals affected with MSH3-related conditions. ClinVar contains an entry for this variant (Variation ID: 822974). An algorithm developed to predict the effect of missense changes on protein structure and function (PolyPhen-2) suggests that this variant is likely to be tolerated. In summary, the available evidence is currently insufficient to determine the role of this variant in disease. Therefore, it has been classified as a Variant of Uncertain Significance.

PreventionGenetics, part of Exact Sciences
Classification: Uncertain significance for MSH3-related condition. Last evaluated: 2025-08-19. Review status: criteria provided, single submitter. Criteria: ACMG Guidelines, 2015. Collection method: clinical testing. Allele origin: germline.
Comment: The MSH3 c.3136G>A variant is predicted to result in the amino acid substitution p.Ala1046Thr. To our knowledge, this variant has not been reported in the literature. This variant is reported in 0.0080% of alleles in individuals of African descent in gnomAD and has conflicting interpretations in ClinVar, ranging from uncertain to likely benign (Variation ID: 822974). At this time, the clinical significance of this variant is uncertain due to the absence of conclusive functional and genetic evidence.

GeneDx
Classification: Uncertain significance. Last evaluated: 2025-07-02. Review status: criteria provided, single submitter. Criteria: GeneDx Variant Classification Process June 2021. Collection method: clinical testing. Allele origin: germline.
Comment: Not observed at significant frequency in large population cohorts (gnomAD); In silico analysis suggests that this missense variant does not alter protein structure/function; Has not been previously published as pathogenic or benign to our knowledge

Ambry Genetics
Classification: Likely benign for Hereditary cancer-predisposing syndrome. Last evaluated: 2025-03-19. Review status: criteria provided, single submitter. Criteria: Ambry Variant Classification Scheme 2023. Collection method: clinical testing. Allele origin: germline.

Baylor Genetics
Classification: Uncertain significance for Endometrial carcinoma. Last evaluated: 2023-11-23. Review status: criteria provided, single submitter. Criteria: ACMG Guidelines, 2015. Collection method: clinical testing. Allele origin: unknown.

Quest Diagnostics Nichols Institute San Juan Capistrano
Classification: Uncertain significance. Last evaluated: 2023-08-04. Review status: criteria provided, single submitter. Criteria: Quest Diagnostics criteria. Collection method: clinical testing. Allele origin: unknown.
Comment: This variant has not been reported in the published literature. The frequency of this variant in the general population, 0.0000071 (2/282572 chromosomes (Genome Aggregation Database)), is uninformative in the assessment of its pathogenicity. Analysis of this variant using bioinformatics tools for the prediction of the effect of amino acid changes on protein structure and function yielded predictions that this variant is benign. Based on the available information, we are unable to determine the clinical significance of this variant.

Sema4
Classification: Uncertain significance for Hereditary cancer-predisposing syndrome. Last evaluated: 2022-02-22. Review status: criteria provided, single submitter. Criteria: Sema4 Curation Guidelines. Collection method: curation. Allele origin: germline.
Comment: The MSH3 c.3136G>A (p.A1046T) variant has not been reported in the literature to our knowledge. It was observed in 2/24970 chromosomes of the African/African American subpopulation in the large and broad cohorts of the Genome Aggregation Database (PMID: 32461654). The variant has been reported in ClinVar (Variation ID 822974). In silico tools suggest the impact of the variant on protein function is inconclusive, though these predictions have not been confirmed by functional studies. The evidence is insufficient to meet ACMG/AMP criteria for classifying the variant as benign or pathogenic. Thus, the clinical significance of this variant is currently uncertain.